The following is an entry in ClinVar:

NM_000282.4(PCCA):c.1568A>C (p.Asn523Thr)

Gene: PCCA (propionyl-CoA carboxylase subunit alpha; plus strand). Cytogenetic location: 13q32.3.
Variant type: single nucleotide variant.
Coding change: c.1568A>C on transcript NM_000282.4 (MANE Select); coding-DNA position 1568, A replaced by C.
Protein change: p.Asn523Thr; replaces asparagine 523 with threonine.
Molecular consequence: missense variant. On other transcripts: non-coding transcript variant (5).
Genome position (GRCh38, 1-based): chr13:100,340,184, A>C. VCF-style: chr13-100340184-A-C. GRCh37 (hg19) VCF-style: chr13-100992438-A-C.
Other names: c.1490A>C, p.Asn497Thr (NM_001127692.3, NM_001352607.2); c.1568A>C, p.Asn523Thr (NM_001178004.2, NM_001352605.2, NM_001352609.2); c.1424A>C, p.Asn475Thr (NM_001352606.2); c.1346A>C, p.Asn449Thr (NM_001352608.2); c.623A>C, p.Asn208Thr (NM_001352610.2, NM_001352611.2); c.479A>C, p.Asn160Thr (NM_001352612.2); short protein forms N449T, N497T, N523T, N160T, N475T, N208T.
Identifiers: ClinVar variation 1462875 (VCV001462875.6), dbSNP rs2152751879, ClinGen allele CA388696354.
Genomic context (GRCh38, chr13:100,340,184, plus strand): 5'-TGATTGATTGATTGGTTGATTGATTTCCCTCAGGACACATGCTAACCAAGAGTGAGAAGA[A>C]CCAGTTATTGGCAATAGCATCATCATTGTTTGTGGCATTCCAGTTAAGAGCACAACATTT-3'
Protein context (NP_000273.2, residues 513-533): KGHMLTKSEK[Asn523Thr]QLLAIASSLF

ClinVar aggregate classification (germline): Uncertain significance (1 of 4 stars; one submission).

Conditions:
Propionic acidemia (PROP). Also called: GLYCINEMIA, KETOTIC; HYPERGLYCINEMIA WITH KETOACIDOSIS AND LEUKOPENIA; KETOTIC HYPERGLYCINEMIA. Identifiers: Orphanet 35, MedGen C0268579, MONDO:0011628, OMIM 606054, HP:0003571.

Submission:

Labcorp Genetics (formerly Invitae), Labcorp
Classification: Uncertain significance for Propionic acidemia. Last evaluated: 2022-03-18. Review status: criteria provided, single submitter. Criteria: Invitae Variant Classification Sherloc (09022015). Collection method: clinical testing. Allele origin: germline.
Comment: This sequence change replaces asparagine, which is neutral and polar, with threonine, which is neutral and polar, at codon 523 of the PCCA protein (p.Asn523Thr). This variant is not present in population databases (gnomAD no frequency). This variant has not been reported in the literature in individuals affected with PCCA-related conditions. Advanced modeling of protein sequence and biophysical properties (such as structural, functional, and spatial information, amino acid conservation, physicochemical variation, residue mobility, and thermodynamic stability) performed at Invitae indicates that this missense variant is not expected to disrupt PCCA protein function. In summary, the available evidence is currently insufficient to determine the role of this variant in disease. Therefore, it has been classified as a Variant of Uncertain Significance.